The following is an entry in ClinVar:

NM_001195305.3(BBIP1):c.38-6223G>A

Gene: BBIP1 (BBSome interacting protein 1; minus strand). Cytogenetic location: 10q25.2.
Variant type: single nucleotide variant.
Coding change: c.38-6223G>A on transcript NM_001195305.3 (MANE Select); 6223 bases into the intron before coding-DNA position 38, G replaced by A.
Molecular consequence: intron variant. On other transcripts: synonymous variant (1).
Genome position (GRCh38, 1-based): chr10:110,907,835, C>T on the plus strand (G>A on the coding strand, the complement: BBIP1 is on the minus strand). VCF-style: chr10-110907835-C-T. GRCh37 (hg19) VCF-style: chr10-112667593-C-T.
Other names: c.39G>A, p.Gly13= (NM_001195304.2); c.38-6223G>A (NM_001195306.2); c.-29-6223G>A (NM_001243783.3); c.38-7309G>A (NM_001195307.2).
Identifiers: ClinVar variation 3350964 (VCV003350964.1).

ClinVar aggregate classification (germline): Likely benign (0 of 4 stars; one submission).

Conditions:
BBIP1-related disorder. Also called: BBIP1-related condition.

Submission:

PreventionGenetics, part of Exact Sciences
Classification: Likely benign for BBIP1-related condition. Last evaluated: 2020-08-24. Review status: no assertion criteria provided. Collection method: clinical testing. Allele origin: germline.
Comment: This variant is classified as likely benign based on ACMG/AMP sequence variant interpretation guidelines (Richards et al. 2015 PMID: 25741868, with internal and published modifications).